The following is an entry in ClinVar:

NM_006363.6(SEC23B):c.389T>C (p.Ile130Thr)

Genes: SEC23B (SEC23 homolog B, COPII component; plus strand), LOC126862987 (MED14-independent group 3 enhancer GRCh37_chr20:18504796-18505995; plus strand). Cytogenetic location: 20p11.23.
Variant type: single nucleotide variant.
Coding change: c.389T>C on transcript NM_006363.6 (MANE Select); coding-DNA position 389, T replaced by C.
Protein change: p.Ile130Thr; replaces isoleucine 130 with threonine.
Molecular consequence: missense variant. On other transcripts: intron variant (1).
Genome position (GRCh38, 1-based): chr20:18,524,455, T>C. VCF-style: chr20-18524455-T-C. GRCh37 (hg19) VCF-style: chr20-18505099-T-C.
Other names: c.389T>C, p.Ile130Thr (NM_001172745.3, NM_032985.6, NM_032986.5); c.367-32T>C (NM_001172746.3); short protein forms I130T.
Identifiers: ClinVar variation 897911 (VCV000897911.8), dbSNP rs773290230, ClinGen allele CA9778027.

ClinVar aggregate classification (germline): Uncertain significance. Review status: criteria provided, multiple submitters, no conflicts (2 of 4 stars). 4 submissions from 4 submitters: Uncertain significance (4). Last evaluated 2024-09-27.

Conditions:
Congenital dyserythropoietic anemia, type II (CDAN2). Also called: DYSERYTHROPOIETIC ANEMIA, HEMPAS TYPE. Identifiers: Orphanet 98873, MedGen C1306589, MONDO:0009134, OMIM 224100.
Cowden syndrome 7 (CWS7). Identifiers: Orphanet 201, MedGen C4225179, MONDO:0014802, OMIM 616858.

Allele frequency attached by ClinVar (database versions not stated): ExAC 0.00004; gnomAD exomes 0.00004 and 0.00013; TOPMed 0.00004; gnomAD 0.00007 and 0.00008.
gnomAD v4.1: 193 of 1,614,068 alleles (0.012%); highest among the groups gnomAD compares: Non-Finnish European, 0.016%; no homozygotes.

Submissions (4):

ARUP Laboratories, Molecular Genetics and Genomics, ARUP Laboratories
Classification: Uncertain significance. Last evaluated: 2024-09-27. Review status: criteria provided, single submitter. Criteria: ARUP Molecular Germline Variant Investigation Process 2024. Collection method: clinical testing. Allele origin: germline.
Comment: The SEC23B c.389T>C; p.Ile130Thr variant (rs773290230), to our knowledge, is not reported in the context of hemolytic anemia but is reported in ClinVar (Variation ID: 897911). This variant is found in the non-Finnish European population with an allele frequency of 0.0046% (13/282810 alleles) in the Genome Aggregation Database (v2.1.1). Computational analyses are uncertain whether this variant is neutral or deleterious (REVEL: 0.672). Due to limited information, the clinical significance of this variant is uncertain at this time.

Revvity Omics, Revvity
Classification: Uncertain significance. Last evaluated: 2024-09-16. Review status: criteria provided, single submitter. Criteria: ACMG Guidelines, 2015. Collection method: clinical testing. Allele origin: germline.

Labcorp Genetics (formerly Invitae), Labcorp
Classification: Uncertain significance for Congenital dyserythropoietic anemia, type II; Cowden syndrome 7. Last evaluated: 2024-07-08. Review status: criteria provided, single submitter. Criteria: Invitae Variant Classification Sherloc (09022015). Collection method: clinical testing. Allele origin: germline.
Comment: This sequence change replaces isoleucine, which is neutral and non-polar, with threonine, which is neutral and polar, at codon 130 of the SEC23B protein (p.Ile130Thr). This variant is present in population databases (rs773290230, gnomAD 0.01%). This missense change has been observed in individual(s) with endometrial cancer (PMID: 26522472). ClinVar contains an entry for this variant (Variation ID: 897911). Advanced modeling of protein sequence and biophysical properties (such as structural, functional, and spatial information, amino acid conservation, physicochemical variation, residue mobility, and thermodynamic stability) performed at Invitae indicates that this missense variant is not expected to disrupt SEC23B protein function with a negative predictive value of 95%. In summary, the available evidence is currently insufficient to determine the role of this variant in disease. Therefore, it has been classified as a Variant of Uncertain Significance.

Illumina Laboratory Services, Illumina
Classification: Uncertain significance for Congenital dyserythropoietic anemia, type II. Last evaluated: 2018-01-13. Review status: criteria provided, single submitter. Criteria: ICSL Variant Classification Criteria 13 December 2019. Collection method: clinical testing. Allele origin: germline.

Literature cited by the submitters: PubMed 26522472 (cited by Labcorp Genetics (formerly Invitae), Labcorp).